The following is an entry in ClinVar:

ClinVar aggregate classification (germline): Conflicting classifications of pathogenicity. Review status: criteria provided, conflicting classifications (1 of 4 stars). 2 submissions from 2 submitters: Uncertain significance (1); Likely benign (1). Last evaluated 2023-03-23.

Conditions:
Hereditary cancer-predisposing syndrome. Also called: Neoplastic Syndromes, Hereditary; Tumor predisposition; Hereditary neoplastic syndrome; Hereditary Cancer Syndrome. Identifiers: Orphanet 140162, MedGen C0027672, MeSH D009386, MONDO:0015356.
Hereditary breast ovarian cancer syndrome. Also called: Hereditary breast and ovarian cancer; Hereditary breast and/or ovarian cancer syndrome; BRCA1- and BRCA2-Associated Hereditary Breast and Ovarian Cancer; Hereditary breast and ovarian cancer syndrome; Hereditary breast and ovarian cancer syndrome (HBOC); Breast and ovarian cancer. Identifiers: Orphanet 145, MedGen C0677776, MeSH D061325, MONDO:0003582. Disease mechanism: loss of function.

Allele frequency attached by ClinVar (database versions not stated): TOPMed below 0.00001.

Submissions (2):

University of Washington Department of Laboratory Medicine, University of Washington
Classification: Likely benign for Hereditary cancer-predisposing syndrome. Last evaluated: 2023-03-23. Review status: criteria provided, single submitter. Criteria: Dines et al. (Genet Med. 2020). Collection method: curation. Allele origin: germline.
Comment: Missense variant in a coldspot region where missense variants are very unlikely to be pathogenic (PMID:31911673).

BRCA2 exon 10 coldspot. Reclassification based on statistical prior probability.

Labcorp Genetics (formerly Invitae), Labcorp
Classification: Uncertain significance for Hereditary breast ovarian cancer syndrome. Last evaluated: 2022-04-16. Review status: criteria provided, single submitter. Criteria: Invitae Variant Classification Sherloc (09022015). Collection method: clinical testing. Allele origin: germline.
Comment: This sequence change replaces proline, which is neutral and non-polar, with alanine, which is neutral and non-polar, at codon 628 of the BRCA2 protein (p.Pro628Ala). This variant is not present in population databases (gnomAD no frequency). This variant has not been reported in the literature in individuals affected with BRCA2-related conditions. Advanced modeling of protein sequence and biophysical properties (such as structural, functional, and spatial information, amino acid conservation, physicochemical variation, residue mobility, and thermodynamic stability) performed at Invitae indicates that this missense variant is not expected to disrupt BRCA2 protein function. In summary, the available evidence is currently insufficient to determine the role of this variant in disease. Therefore, it has been classified as a Variant of Uncertain Significance.

NM_000059.4(BRCA2):c.1882C>G (p.Pro628Ala)

Gene: BRCA2 (BRCA2 DNA repair associated; plus strand). Cytogenetic location: 13q13.1.
Variant type: single nucleotide variant.
Coding change: c.1882C>G on transcript NM_000059.4 (MANE Select); coding-DNA position 1882, C replaced by G.
Protein change: p.Pro628Ala; replaces proline 628 with alanine.
Molecular consequence: missense variant.
Genome position (GRCh38, 1-based): chr13:32,333,360, C>G. VCF-style: chr13-32333360-C-G. GRCh37 (hg19) VCF-style: chr13-32907497-C-G.
Other names: short protein forms P628A.
Identifiers: ClinVar variation 1364621 (VCV001364621.9), dbSNP rs1163156807, ClinGen allele CA387766671.